The following is an entry in ClinVar:

ClinVar aggregate classification (germline): Conflicting classifications of pathogenicity. Review status: criteria provided, conflicting classifications (1 of 4 stars). 4 submissions from 4 submitters: Uncertain significance (1); Benign (1); Likely benign (1). 1 of the submissions does not count toward it. Last evaluated 2026-08-01.

Conditions:
PRKN-related disorder. Also called: PRKN-related condition.
Autosomal recessive juvenile Parkinson disease 2. Also called: PRKN-Related Early-Onset Parkinson Disease; Parkinson disease, juvenile, type 2; PARKINSON DISEASE, JUVENILE, AUTOSOMAL RECESSIVE; Parkinson disease autosomal recessive, early onset; Juvenile parkinsonism; Parkinsonism, early onset, with diurnal fluctuation. Identifiers: Orphanet 2828, MedGen C1868675, MONDO:0010820, OMIM 600116.

Allele frequency attached by ClinVar (database versions not stated): TOPMed 0.00172; ESP Exome Variant Server 0.00185; gnomAD exomes 0.00185 and 0.00194; 1000 Genomes Project 30x 0.00187; gnomAD 0.00191 and 0.00192; ExAC 0.00200; 1000 Genomes Project 0.00220.
gnomAD v4.1: 2,996 of 1,614,156 alleles (0.19%); highest among the groups gnomAD compares: Middle Eastern, 0.38%; 12 homozygotes.

Submissions (4):

CeGaT Center for Human Genetics Tuebingen
Classification: Likely benign. Last evaluated: 2026-08-01. Review status: criteria provided, single submitter. Criteria: CeGaT Center For Human Genetics Tuebingen Variant Classification Criteria Version 2. Collection method: clinical testing. Allele origin: germline. Affected: yes. Observed: 16 variant alleles.
Comment: PRKN: PM5, BS2

Labcorp Genetics (formerly Invitae), Labcorp
Classification: Benign. Last evaluated: 2026-01-15. Review status: criteria provided, single submitter. Criteria: Invitae Variant Classification Sherloc (09022015). Collection method: clinical testing. Allele origin: germline.

Illumina Laboratory Services, Illumina
Classification: Uncertain significance for Autosomal recessive juvenile Parkinson disease 2. Last evaluated: 2017-04-27. Review status: criteria provided, single submitter. Criteria: ICSL Variant Classification Criteria 13 December 2019. Collection method: clinical testing. Allele origin: germline.
Comment: This variant was observed as part of a predisposition screen in an ostensibly healthy population. A literature search was performed for the gene, cDNA change, and amino acid change (where applicable). Publications were found based on this search. However, the evidence from the literature, in combination with allele frequency data from public databases where available, was not sufficient to rule this variant in or out of causing disease. Therefore, this variant is classified as a variant of unknown significance.

PreventionGenetics, part of Exact Sciences
Classification: Likely benign for PRKN-related condition. Last evaluated: 2024-09-11. Review status: no assertion criteria provided. Collection method: clinical testing. Allele origin: germline. Not counted in ClinVar's aggregate classification.
Comment: This variant is classified as likely benign based on ACMG/AMP sequence variant interpretation guidelines (Richards et al. 2015 PMID: 25741868, with internal and published modifications).

Literature cited by the submitters: PubMed 24816432 (cited by Illumina Laboratory Services, Illumina).

NM_004562.3(PRKN):c.1204C>T (p.Arg402Cys)

Gene: PRKN (parkin RBR E3 ubiquitin protein ligase; minus strand). Cytogenetic location: 6q26.
Variant type: single nucleotide variant.
Coding change: c.1204C>T on transcript NM_004562.3 (MANE Select); coding-DNA position 1204, C replaced by T.
Protein change: p.Arg402Cys; replaces arginine 402 with cysteine.
Molecular consequence: missense variant.
Genome position (GRCh38, 1-based): chr6:161,360,169, G>A on the plus strand (C>T on the coding strand, the complement: PRKN is on the minus strand). VCF-style: chr6-161360169-G-A. GRCh37 (hg19) VCF-style: chr6-161781201-G-A.
Other names: c.1120C>T, p.Arg374Cys (NM_013987.3); c.757C>T, p.Arg253Cys (NM_013988.3); short protein forms R402C, R253C, R374C.
Identifiers: ClinVar variation 425402 (VCV000425402.57), dbSNP rs55830907, ClinGen allele CA4089979.